The following is an entry in ClinVar:

NM_001130987.2(DYSF):c.6218C>A (p.Thr2073Asn)

Gene: DYSF (dysferlin; plus strand). Cytogenetic location: 2p13.2.
Variant type: single nucleotide variant.
Coding change: c.6218C>A on transcript NM_001130987.2 (MANE Select); coding-DNA position 6218, C replaced by A.
Protein change: p.Thr2073Asn; replaces threonine 2073 with asparagine.
Molecular consequence: missense variant.
Genome position (GRCh38, 1-based): chr2:71,682,574, C>A. VCF-style: chr2-71682574-C-A. GRCh37 (hg19) VCF-style: chr2-71909704-C-A.
Other names: c.6101C>A, p.Thr2034Asn (NM_003494.4); c.6104C>A, p.Thr2035Asn (NM_001130455.2); c.6059C>A, p.Thr2020Asn (NM_001130976.2); c.6122C>A, p.Thr2041Asn (NM_001130977.2); c.6164C>A, p.Thr2055Asn (NM_001130978.2); c.6194C>A, p.Thr2065Asn (NM_001130979.2); c.6152C>A, p.Thr2051Asn (NM_001130980.2); c.6215C>A, p.Thr2072Asn (NM_001130981.2); and 5 more; short protein forms T2020N, T2021N, T2034N, T2035N, T2041N, T2042N, T2051N, T2052N.
Identifiers: ClinVar variation 1309582 (VCV001309582.8), dbSNP rs771663815, ClinGen allele CA1707649.

ClinVar aggregate classification (germline): Conflicting classifications of pathogenicity. Review status: criteria provided, conflicting classifications (1 of 4 stars). 3 submissions from 3 submitters: Uncertain significance (2); Likely benign (1). Last evaluated 2022-09-03.

Conditions:
Neuromuscular disease caused by qualitative or quantitative defects of dysferlin. Also called: Qualitative or quantitative defects of dysferlin; Dysferlinopathy. Identifiers: Orphanet 207073, MedGen C2931687, MONDO:0016145.

Allele frequency attached by ClinVar (database versions not stated): gnomAD exomes below 0.00001; TOPMed below 0.00001; ExAC 0.00001; gnomAD 0.00001.
gnomAD v4.1: 4 of 1,614,026 alleles (0.00025%); highest among the groups gnomAD compares: African/African-American, 0.0013%; no homozygotes.

Submissions (3):

Labcorp Genetics (formerly Invitae), Labcorp
Classification: Likely benign for Neuromuscular disease caused by qualitative or quantitative defects of dysferlin. Last evaluated: 2022-09-03. Review status: criteria provided, single submitter. Criteria: Invitae Variant Classification Sherloc (09022015). Collection method: clinical testing. Allele origin: germline.

GeneDx
Classification: Uncertain significance. Last evaluated: 2019-10-29. Review status: criteria provided, single submitter. Criteria: GeneDx Variant Classification Process June 2021. Collection method: clinical testing. Allele origin: germline. Affected: yes.
Comment: Not observed at a significant frequency in large population cohorts (Lek et al., 2016); In silico analysis, which includes protein predictors and evolutionary conservation, supports a deleterious effect; Has not been previously published as pathogenic or benign to our knowledge

Revvity Omics, Revvity
Classification: Uncertain significance. Last evaluated: 2019-03-06. Review status: criteria provided, single submitter. Criteria: ACMG Guidelines, 2015. Collection method: clinical testing. Allele origin: germline.